The following is an entry in ClinVar:

ClinVar aggregate classification (germline): Uncertain significance (1 of 4 stars; one submission).

Allele frequency attached by ClinVar (database versions not stated): gnomAD exomes below 0.00001; TOPMed below 0.00001.
gnomAD v4.1: 2 of 1,614,198 alleles (0.00012%); highest among the groups gnomAD compares: Middle Eastern, 0.016%; no homozygotes.

Submission:

CeGaT Center for Human Genetics Tuebingen
Classification: Uncertain significance. Last evaluated: 2023-05-01. Review status: criteria provided, single submitter. Criteria: CeGaT Center For Human Genetics Tuebingen Variant Classification Criteria Version 2. Collection method: clinical testing. Allele origin: germline. Affected: yes. Observed: 1 variant allele.
Comment: MACF1: PM2, BP4

NM_001394062.1(MACF1):c.17689A>G (p.Ser5897Gly)

Gene: MACF1 (microtubule actin crosslinking factor 1; plus strand). Cytogenetic location: 1p34.3.
Variant type: single nucleotide variant.
Coding change: c.17689A>G on transcript NM_001394062.1 (MANE Select); coding-DNA position 17689, A replaced by G.
Protein change: p.Ser5897Gly; replaces serine 5897 with glycine.
Molecular consequence: missense variant.
Genome position (GRCh38, 1-based): chr1:39,434,537, A>G. VCF-style: chr1-39434537-A-G. GRCh37 (hg19) VCF-style: chr1-39900209-A-G.
Other names: c.5758A>G, p.Ser1920Gly (NM_001397473.1); c.11503A>G, p.Ser3835Gly (NM_012090.5); short protein forms S1920G, S3835G, S5897G.
Identifiers: ClinVar variation 2638711 (VCV002638711.24), dbSNP rs1451044457, ClinGen allele CA339804870.